The following is an entry in ClinVar:

NM_002691.4(POLD1):c.1776-2A>G

Gene: POLD1 (DNA polymerase delta 1, catalytic subunit; plus strand). Cytogenetic location: 19q13.33.
Variant type: single nucleotide variant.
Coding change: c.1776-2A>G on transcript NM_002691.4 (MANE Select); the canonical splice acceptor site of the intron before coding-DNA position 1776, A replaced by G.
Molecular consequence: splice acceptor variant. On other transcripts: missense variant (1).
Genome position (GRCh38, 1-based): chr19:50,408,783, A>G. VCF-style: chr19-50408783-A-G. GRCh37 (hg19) VCF-style: chr19-50912040-A-G.
Other names: c.1852A>G, p.Arg618Gly (NM_001308632.1); c.1776-2A>G (NM_001256849.1, NM_001438212.1, NM_001438213.1 and 2 more transcripts); short protein forms R618G.
Identifiers: ClinVar variation 4700737 (VCV004700737.1).
Genomic context (GRCh38, chr19:50,408,783, plus strand): 5'-AGGGCGGGGGCGGCATGGGAACTCCTAGCCCTGACTCCCGGCCGCGGCTGCTCCCCTCCC[A>G]GGTACTACGACGTCCCCATCGCCACCCTGGACTTCTCCTCGCTGTACCCGTCCATCATGA-3'

ClinVar aggregate classification (germline): Uncertain significance (1 of 4 stars; one submission).

Conditions:
POLD1-related polyposis and colorectal cancer syndrome (CRCS10). Also called: COLORECTAL CANCER, SUSCEPTIBILITY TO, ON CHROMOSOME 19q; Colorectal cancer 10; Colorectal cancer, susceptibility to, 10. Identifiers: Orphanet 220460, MedGen C2675481, MONDO:0012953, OMIM 612591.

Submission:

Labcorp Genetics (formerly Invitae), Labcorp
Classification: Uncertain significance for POLD1-related polyposis and colorectal cancer syndrome. Last evaluated: 2025-07-27. Review status: criteria provided, single submitter. Criteria: Invitae Variant Classification Sherloc (09022015). Collection method: clinical testing. Allele origin: germline.
Comment: This sequence change affects an acceptor splice site in intron 14 of the POLD1 gene. Missense variants that disrupt the 3'-5' exonuclease (proof-reading) activity of the POLD1 protein are associated with PPAP (polymerase proofreading–associated polyposis) (PMID: 23263490, 23447401). However, loss-of-function variants that result in an absent or severely disrupted POLD1 protein, and missense variants outside the exonuclease domain, are unlikely to be associated with PPAP. This variant is not present in population databases (gnomAD no frequency). This variant has not been reported in the literature in individuals affected with POLD1-related conditions. Algorithms developed to predict the effect of sequence changes on RNA splicing suggest that this variant may disrupt the consensus splice site. In summary, the available evidence is currently insufficient to determine the role of this variant in disease. Therefore, it has been classified as a Variant of Uncertain Significance.

Literature cited by the submitters: PubMed 23263490; PubMed 23447401.